The following is an entry in ClinVar:

NM_001287491.2(TET3):c.3200C>T (p.Thr1067Met)

Gene: TET3 (tet methylcytosine dioxygenase 3; plus strand). Cytogenetic location: 2p13.1.
Variant type: single nucleotide variant.
Coding change: c.3200C>T on transcript NM_001287491.2 (MANE Select); coding-DNA position 3200, C replaced by T.
Protein change: p.Thr1067Met; replaces threonine 1067 with methionine.
Molecular consequence: missense variant.
Genome position (GRCh38, 1-based): chr2:74,093,599, C>T. VCF-style: chr2-74093599-C-T. GRCh37 (hg19) VCF-style: chr2-74320726-C-T.
Other names: c.2921C>T, p.Thr974Met (NM_001366022.1); short protein forms T1067M, T974M.
Identifiers: ClinVar variation 3766334 (VCV003766334.1).

ClinVar aggregate classification (germline): Uncertain significance (1 of 4 stars; one submission).

gnomAD v4.1: 1 of 1,613,626 alleles (0.000062%); highest among the groups gnomAD compares: Non-Finnish European, 0.000085%; no homozygotes.

Submission:

GeneDx
Classification: Uncertain significance. Last evaluated: 2024-08-28. Review status: criteria provided, single submitter. Criteria: GeneDx Variant Classification Process June 2021. Collection method: clinical testing. Allele origin: germline. Affected: yes.
Comment: Not observed at significant frequency in large population cohorts (gnomAD); In silico analysis supports that this missense variant has a deleterious effect on protein structure/function; Has not been previously published as pathogenic or benign to our knowledge